The following is an entry in ClinVar:

NM_014053.4(FLVCR1):c.*5A>G

Gene: FLVCR1 (FLVCR choline and heme transporter 1; plus strand). Cytogenetic location: 1q32.3.
Variant type: single nucleotide variant.
Coding change: c.*5A>G on transcript NM_014053.4 (MANE Select); 5 bases downstream of the stop codon, A replaced by G.
Molecular consequence: 3 prime UTR variant.
Genome position (GRCh38, 1-based): chr1:212,895,295, A>G. VCF-style: chr1-212895295-A-G. GRCh37 (hg19) VCF-style: chr1-213068637-A-G.
Identifiers: ClinVar variation 4682165 (VCV004682165.1).

ClinVar aggregate classification (germline): Uncertain significance (1 of 4 stars; one submission).

gnomAD v4.1: 2 of 1,608,924 alleles (0.00012%); highest among the groups gnomAD compares: South Asian, 0.0011%; no homozygotes.

Submission:

Athena Diagnostics
Classification: Uncertain significance. Last evaluated: 2025-04-08. Review status: criteria provided, single submitter. Criteria: Athena Diagnostics Criteria. Collection method: clinical testing. Allele origin: unknown.
Comment: Available data are insufficient to determine the clinical significance of the variant at this time. This variant has not been reported in large, multi-ethnic general populations. Computational tools yielded predictions that this variant is unlikely to have an effect on normal RNA splicing.